The following is an entry in ClinVar:

ClinVar aggregate classification (germline): not provided (0 of 4 stars; one submission).

Submission:

ITMI
No classification provided. Condition: AllHighlyPenetrant. Last evaluated: 2013-09-19. Review status: no classification provided. Collection method: reference population. Allele origin: germline.
Comment: Please see associated publication for description of ethnicities

Literature cited by the submitters: PubMed 24728327.

NM_001386298.1(CIC):c.4421_4422delinsAA (p.Gly1474Glu)

Gene: CIC (capicua transcriptional repressor; plus strand). Cytogenetic location: 19q13.2.
Variant type: Indel.
Coding change: c.4421_4422delinsAA on transcript NM_001386298.1 (MANE Select); coding-DNA positions 4421 to 4422, GC replaced by AA.
Protein change: p.Gly1474Glu; replaces glycine 1474 with glutamic acid.
Molecular consequence: missense variant.
Genome position (GRCh38, 1-based): chr19:42,290,462-42,290,463, GC replaced by AA. VCF-style: chr19-42290462-GC-AA. GRCh37 (hg19) VCF-style: chr19-42794614-GC-AA.
Other names: c.4421_4422delinsAA, p.Gly1474Glu (NM_001304815.2, NM_001379480.1, NM_001379482.1); c.1694_1695delinsAA, p.Gly565Glu (NM_001379484.1, NM_001379485.1, NM_015125.5); short protein forms G1474E, G565E.
Identifiers: ClinVar variation 133893 (VCV000133893.1), dbSNP rs587778195, ClinGen allele CA158104.